The following is an entry in ClinVar:

NM_080669.6(SLC46A1):c.*3009=

Genes: SARM1 (sterile alpha and TIR motif containing 1; plus strand), SLC46A1 (solute carrier family 46 member 1; minus strand). Cytogenetic location: 17q11.2.
Variant type: single nucleotide variant.
Coding change: c.*3009= on transcript NM_080669.6 (MANE Select); 3009 bases downstream of the stop codon, no change from the reference sequence.
Molecular consequence: no sequence alteration.
Genome position: GRCh38 VCF-style: chr17-28396647-C-C. GRCh37 (hg19) VCF-style: chr17-26723666-A-C.
Other names: c.*3009= (NM_001242366.3); c.*361= (NM_015077.4).
Identifiers: ClinVar variation 322362 (VCV000322362.6), dbSNP rs2239910.

ClinVar aggregate classification (germline): Benign. Review status: criteria provided, multiple submitters, no conflicts (2 of 4 stars). 2 submissions from 2 submitters: Benign (2). Last evaluated 2018-01-12.

Conditions:
Congenital defect of folate absorption. Also called: Hereditary Folate Malabsorption. Identifiers: Orphanet 90045, MedGen C0342705, MONDO:0009238, OMIM 229050.

Allele frequency attached by ClinVar (database versions not stated): TOPMed 0.69748; 1000 Genomes Project 30x 0.75890.

Submissions (2):

Illumina Laboratory Services, Illumina
Classification: Benign for Congenital defect of folate absorption. Last evaluated: 2018-01-12. Review status: criteria provided, single submitter. Criteria: ICSL Variant Classification Criteria 13 December 2019. Collection method: clinical testing. Allele origin: germline.
Comment: This variant was observed in the ICSL laboratory as part of a predisposition screen in an ostensibly healthy population. It had not been previously curated by ICSL or reported in the Human Gene Mutation Database (HGMD: prior to June 1st, 2018), and was therefore a candidate for classification through an automated scoring system. Utilizing variant allele frequency, disease prevalence and penetrance estimates, and inheritance mode, an automated score was calculated to assess if this variant is too frequent to cause the disease. Based on the score and internal cut-off values, a variant classified as benign is not then subjected to further curation. The score for this variant resulted in a classification of benign for this disease.

Breakthrough Genomics
Classification: Benign. Review status: criteria provided, single submitter. Criteria: ACMG Guidelines, 2015. Collection method: not provided. Allele origin: germline. Inheritance: Autosomal recessive inheritance. Affected: yes.